The following is an entry in ClinVar:

NC_000017.10:g.(?_41196353)_(41228651_?)del

Gene: BRCA1 (BRCA1 DNA repair associated; minus strand). Cytogenetic location: 17q21.31.
Variant type: Deletion.
Identifiers: ClinVar variation 3242986 (VCV003242986.1).

ClinVar aggregate classification (germline): Pathogenic (1 of 4 stars; one submission).

Conditions:
Hereditary breast ovarian cancer syndrome. Also called: Hereditary breast and ovarian cancer syndrome; Hereditary breast and ovarian cancer; Hereditary breast and ovarian cancer syndrome (HBOC); Breast and ovarian cancer; Hereditary breast and/or ovarian cancer syndrome; BRCA1- and BRCA2-Associated Hereditary Breast and Ovarian Cancer. Identifiers: Orphanet 145, MedGen C0677776, MeSH D061325, MONDO:0003582. Disease mechanism: loss of function.

Submission:

Labcorp Genetics (formerly Invitae), Labcorp
Classification: Pathogenic for Hereditary breast ovarian cancer syndrome. Last evaluated: 2023-02-09. Review status: criteria provided, single submitter. Criteria: Invitae Variant Classification Sherloc (09022015). Collection method: clinical testing. Allele origin: unknown.
Comment: This variant is a gross deletion of the genomic region encompassing exon(s) 13-23 of the BRCA1 gene, which includes the termination codon. This deletion extends beyond the assayed region for this gene and therefore may encompass additional genes. While this deletion is not anticipated to lead to nonsense mediated decay, it is expected to alter mRNA translation or result in a truncated protein product. This variant has not been reported in the literature in individuals affected with BRCA1-related conditions. This variant disrupts a region of the BRCA1 protein in which other variant(s) (p.Tyr1853*) have been determined to be pathogenic (PMID: 7894493, 10811118, 11739404, 12400015, 21922593; Invitae). This suggests that this is a clinically significant region of the protein, and that variants that disrupt it are likely to be disease-causing. For these reasons, this variant has been classified as Pathogenic.

Literature cited by the submitters: PubMed 7894493; PubMed 10811118; PubMed 11739404; PubMed 12400015; PubMed 21922593.